The following is an entry in ClinVar:

NM_001199397.3(NEK1):c.2161C>T (p.Arg721Trp)

Gene: NEK1 (NIMA related kinase 1; minus strand). Cytogenetic location: 4q33.
Variant type: single nucleotide variant.
Coding change: c.2161C>T on transcript NM_001199397.3 (MANE Select); coding-DNA position 2161, C replaced by T.
Protein change: p.Arg721Trp; replaces arginine 721 with tryptophan.
Molecular consequence: missense variant. On other transcripts: non-coding transcript variant (1).
Genome position (GRCh38, 1-based): chr4:169,477,476, G>A on the plus strand (C>T on the coding strand, the complement: NEK1 is on the minus strand). VCF-style: chr4-169477476-G-A. GRCh37 (hg19) VCF-style: chr4-170398627-G-A.
Other names: c.2029C>T, p.Arg677Trp (NM_001199398.3); c.1870C>T, p.Arg624Trp (NM_001199399.3); c.1945C>T, p.Arg649Trp (NM_001199400.3); c.2161C>T, p.Arg721Trp (NM_001374418.1); c.2077C>T, p.Arg693Trp (NM_001374419.1, NM_012224.4); c.2026C>T, p.Arg676Trp (NM_001374420.1); c.1855C>T, p.Arg619Trp (NM_001374421.1); short protein forms R677W, R624W, R676W, R619W, R649W, R721W, R693W.
Identifiers: ClinVar variation 902344 (VCV000902344.14), dbSNP rs201726561, ClinGen allele CA3137486.

ClinVar aggregate classification (germline): Conflicting classifications of pathogenicity. Review status: criteria provided, conflicting classifications (1 of 4 stars). 4 submissions from 4 submitters: Uncertain significance (3); Likely benign (1). Last evaluated 2025-10-18.

Conditions:
Short-rib thoracic dysplasia 6 with or without polydactyly (SRTD6). Also called: Majewski Syndrome; POLYDACTYLY WITH NEONATAL CHONDRODYSTROPHY, TYPE II; SHORT RIB-POLYDACTYLY SYNDROME, TYPE IIA; SHORT-RIB THORACIC DYSPLASIA 6 WITH POLYDACTYLY; SHORT-RIB THORACIC DYSPLASIA 6 WITHOUT POLYDACTYLY. Identifiers: MedGen C0024507, MONDO:0009894, OMIM 263520.
NEK1-related disorder. Also called: NEK1-related condition.
Inborn genetic diseases. Identifiers: MedGen C0950123, MeSH D030342.

Allele frequency attached by ClinVar (database versions not stated): TOPMed 0.00008; ESP Exome Variant Server 0.00009; 1000 Genomes Project 30x 0.00016; 1000 Genomes Project 0.00020.
gnomAD v4.1: 170 of 1,606,950 alleles (0.011%); highest among the groups gnomAD compares: East Asian, 0.22%; no homozygotes.

Submissions (4):

Labcorp Genetics (formerly Invitae), Labcorp
Classification: Likely benign for Short-rib thoracic dysplasia 6 with or without polydactyly. Last evaluated: 2025-10-18. Review status: criteria provided, single submitter. Criteria: Invitae Variant Classification Sherloc (09022015). Collection method: clinical testing. Allele origin: germline.

Ambry Genetics
Classification: Uncertain significance for Inborn genetic diseases. Last evaluated: 2025-05-19. Review status: criteria provided, single submitter. Criteria: Ambry Variant Classification Scheme 2023. Collection method: clinical testing. Allele origin: germline.

PreventionGenetics, part of Exact Sciences
Classification: Uncertain significance for NEK1-related condition. Last evaluated: 2023-02-27. Review status: criteria provided, single submitter. Criteria: ACMG Guidelines, 2015. Collection method: clinical testing. Allele origin: germline.
Comment: The NEK1 c.2077C>T variant is predicted to result in the amino acid substitution p.Arg693Trp. To our knowledge, this variant has not been reported in the literature. This variant is reported in 0.078% of alleles in individuals of East Asian descent in gnomAD. Although we suspect that this variant may be benign, at this time, the clinical significance of this variant is uncertain due to the absence of conclusive functional and genetic evidence.

Illumina Laboratory Services, Illumina
Classification: Uncertain significance for Short-rib thoracic dysplasia 6 with or without polydactyly. Last evaluated: 2018-01-12. Review status: criteria provided, single submitter. Criteria: ICSL Variant Classification Criteria 13 December 2019. Collection method: clinical testing. Allele origin: germline.